The following is an entry in ClinVar:

ClinVar aggregate classification (germline): Benign (0 of 4 stars; one submission).

Conditions:
NAV2-related disorder. Also called: NAV2-related condition.

Allele frequency attached by ClinVar (database versions not stated): ESP Exome Variant Server 0.02180; gnomAD 0.04873; TOPMed 0.05820; ExAC 0.08069; 1000 Genomes Project 30x 0.10244; 1000 Genomes Project 0.10863.
gnomAD v4.1: 79,370 of 1,614,140 alleles (4.9%); highest among the groups gnomAD compares: East Asian, 36%; 5,666 homozygotes.

Submission:

PreventionGenetics, part of Exact Sciences
Classification: Benign for NAV2-related condition. Last evaluated: 2019-12-02. Review status: no assertion criteria provided. Collection method: clinical testing. Allele origin: germline.
Comment: This variant is classified as benign based on ACMG/AMP sequence variant interpretation guidelines (Richards et al. 2015 PMID: 25741868, with internal and published modifications).

NM_145117.5(NAV2):c.1404G>C (p.Gln468His)

Gene: NAV2 (neuron navigator 2; plus strand). Cytogenetic location: 11p15.1.
Variant type: single nucleotide variant.
Coding change: c.1404G>C on transcript NM_145117.5 (MANE Select); coding-DNA position 1404, G replaced by C.
Protein change: p.Gln468His; replaces glutamine 468 with histidine.
Molecular consequence: missense variant.
Genome position (GRCh38, 1-based): chr11:19,933,648, G>C. VCF-style: chr11-19933648-G-C. GRCh37 (hg19) VCF-style: chr11-19955194-G-C.
Other names: c.1212G>C, p.Gln404His (NM_001111018.2); c.1473G>C, p.Gln491His (NM_001244963.2); c.1404G>C, p.Gln468His (NM_182964.6); short protein forms Q404H, Q468H, Q491H.
Identifiers: ClinVar variation 3059216 (VCV003059216.2), dbSNP rs16937251, ClinGen allele CA5917888.